The following is an entry in ClinVar:

ClinVar aggregate classification (germline): Uncertain significance. Review status: criteria provided, multiple submitters, no conflicts (2 of 4 stars). 2 submissions from 2 submitters: Uncertain significance (2). Last evaluated 2025-09-10.

Conditions:
Inborn genetic diseases. Identifiers: MedGen C0950123, MeSH D030342.

Submissions (2):

Ambry Genetics
Classification: Uncertain significance for Inborn genetic diseases. Last evaluated: 2025-09-10. Review status: criteria provided, single submitter. Criteria: Ambry Variant Classification Scheme 2023. Collection method: clinical testing. Allele origin: germline.

Labcorp Genetics (formerly Invitae), Labcorp
Classification: Uncertain significance. Last evaluated: 2022-02-24. Review status: criteria provided, single submitter. Criteria: Invitae Variant Classification Sherloc (09022015). Collection method: clinical testing. Allele origin: germline.
Comment: Algorithms developed to predict the effect of missense changes on protein structure and function output the following: SIFT: "Tolerated"; PolyPhen-2: "Benign"; Align-GVGD: "Class C0". The lysine amino acid residue is found in multiple mammalian species, which suggests that this missense change does not adversely affect protein function. In summary, the available evidence is currently insufficient to determine the role of this variant in disease. Therefore, it has been classified as a Variant of Uncertain Significance. This variant has not been reported in the literature in individuals affected with NYX-related conditions. This sequence change replaces arginine, which is basic and polar, with lysine, which is basic and polar, at codon 412 of the NYX protein (p.Arg412Lys). This variant is not present in population databases (gnomAD no frequency).

NM_001378477.3(NYX):c.1220G>A (p.Arg407Lys)

Gene: NYX (nyctalopin; plus strand). Cytogenetic location: Xp11.4.
Variant type: single nucleotide variant.
Coding change: c.1220G>A on transcript NM_001378477.3 (MANE Select); coding-DNA position 1220, G replaced by A.
Protein change: p.Arg407Lys; replaces arginine 407 with lysine.
Molecular consequence: missense variant.
Genome position (GRCh38, 1-based): chrX:41,474,688, G>A. VCF-style: chrX-41474688-G-A. GRCh37 (hg19) VCF-style: chrX-41333941-G-A.
Other names: c.1235G>A (NM_022567.2); c.1220G>A, p.Arg407Lys (NM_022567.3); short protein forms R407K.
Identifiers: ClinVar variation 1377395 (VCV001377395.9), dbSNP rs2147026602, ClinGen allele CA412993159.